The following is an entry in ClinVar:

ClinVar aggregate classification (germline): Likely benign. Review status: criteria provided, multiple submitters, no conflicts (2 of 4 stars). 2 submissions from 2 submitters: Likely benign (2). Last evaluated 2023-02-01.

Allele frequency attached by ClinVar (database versions not stated): gnomAD 0.00001 and 0.00003; TOPMed 0.00001; gnomAD exomes 0.00002 and 0.00004; ExAC 0.00009; 1000 Genomes Project 30x 0.00016; 1000 Genomes Project 0.00020.
gnomAD v4.1: 35 of 1,613,510 alleles (0.0022%); highest among the groups gnomAD compares: South Asian, 0.025%; no homozygotes.

Submissions (2):

CeGaT Center for Human Genetics Tuebingen
Classification: Likely benign. Last evaluated: 2023-02-01. Review status: criteria provided, single submitter. Criteria: CeGaT Center For Human Genetics Tuebingen Variant Classification Criteria Version 2. Collection method: clinical testing. Allele origin: germline. Affected: yes. Observed: 1 variant allele.
Comment: FLI1: BP4

Labcorp Genetics (formerly Invitae), Labcorp
Classification: Likely benign. Last evaluated: 2022-05-20. Review status: criteria provided, single submitter. Criteria: Invitae Variant Classification Sherloc (09022015). Collection method: clinical testing. Allele origin: germline.

NM_002017.5(FLI1):c.69C>T (p.Tyr23=)

Gene: FLI1 (Fli-1 proto-oncogene, ETS transcription factor; plus strand). Cytogenetic location: 11q24.3.
Variant type: single nucleotide variant.
Coding change: c.69C>T on transcript NM_002017.5 (MANE Select); coding-DNA position 69, C replaced by T.
Protein change: p.Tyr23=; no amino-acid change (tyrosine 23 retained).
Molecular consequence: synonymous variant. On other transcripts: 5 prime UTR variant (3).
Genome position (GRCh38, 1-based): chr11:128,758,165, C>T. VCF-style: chr11-128758165-C-T. GRCh37 (hg19) VCF-style: chr11-128628060-C-T.
Other names: c.-31C>T (NM_001167681.3); c.-301C>T (NM_001271010.2); c.-152C>T (NM_001271012.2).
Identifiers: ClinVar variation 763535 (VCV000763535.31), dbSNP rs567772163, ClinGen allele CA6356926.